The following is an entry in ClinVar:

ClinVar aggregate classification (germline): Uncertain significance (1 of 4 stars; one submission).

Submission:

Dasa
Classification: Uncertain significance. Last evaluated: 2026-02-26. Review status: criteria provided, single submitter. Criteria: DASA Assertion Criteria. Collection method: clinical testing. Allele origin: germline.
Comment: NM_001854.4(COL11A1):c.4888T>C (p.Cys1630Arg) is a missense variant that results in the substitution of cysteine with arginine. This variant is rare in population databases. Computational prediction algorithms are consistent with a deleterious effect. The currently available literature and clinical evidence are not sufficient to establish a definitive association between this variant and the reported condition. Therefore, this variant is classified as a variant of uncertain significance.

NM_001854.4(COL11A1):c.4888T>C (p.Cys1630Arg)

Gene: COL11A1 (collagen type XI alpha 1 chain; minus strand). Cytogenetic location: 1p21.1.
Variant type: single nucleotide variant.
Coding change: c.4888T>C on transcript NM_001854.4 (MANE Select); coding-DNA position 4888, T replaced by C.
Protein change: p.Cys1630Arg; replaces cysteine 1630 with arginine.
Molecular consequence: missense variant. On other transcripts: non-coding transcript variant (1).
Genome position (GRCh38, 1-based): chr1:102,883,282, A>G on the plus strand (T>C on the coding strand, the complement: COL11A1 is on the minus strand). VCF-style: chr1-102883282-A-G. GRCh37 (hg19) VCF-style: chr1-103348838-A-G.
Other names: c.4771T>C, p.Cys1591Arg (NM_001190709.2); c.4924T>C, p.Cys1642Arg (NM_080629.3); c.4540T>C, p.Cys1514Arg (NM_080630.4); short protein forms C1514R, C1591R, C1630R, C1642R.
Identifiers: ClinVar variation 4881734 (VCV004881734.2).
Genomic context (GRCh38, chr1:102,883,282, plus strand): 5'-AAATGCAAGTCTCACCACCAGATGTGAAATTACAGTAAACTTTGAAGGAATCTCCTGAGC[A>G]ACCTTGGTTAGGATCAATCCAATATTCACCTAGAAGGTAGCAAAAAATATGTCATATAAA-3'
Protein context (NP_001845.3, residues 1620-1640): GEYWIDPNQG[Cys1630Arg]SGDSFKVYCN